The following is an entry in ClinVar:

ClinVar aggregate classification (germline): Uncertain significance (1 of 4 stars; one submission).

Conditions:
Leukocyte adhesion deficiency 1 (LAD1). Also called: LEUKOCYTE ADHESION DEFICIENCY, TYPE I; LAD 1; Lymphocyte function-associated antigen 1 immunodeficiency; LFA 1 immunodeficiency. Identifiers: Orphanet 2968, Orphanet 99842, MedGen C0398738, MONDO:0007293, OMIM 116920.

Allele frequency attached by ClinVar (database versions not stated): TOPMed below 0.00001; gnomAD 0.00001.
gnomAD v4.1: 1 of 1,611,814 alleles (0.000062%); highest among the groups gnomAD compares: East Asian, 0.0022%; no homozygotes.

Submission:

Labcorp Genetics (formerly Invitae), Labcorp
Classification: Uncertain significance for Leukocyte adhesion deficiency 1. Last evaluated: 2022-09-06. Review status: criteria provided, single submitter. Criteria: Invitae Variant Classification Sherloc (09022015). Collection method: clinical testing. Allele origin: germline.
Comment: In summary, the available evidence is currently insufficient to determine the role of this variant in disease. Therefore, it has been classified as a Variant of Uncertain Significance. Algorithms developed to predict the effect of missense changes on protein structure and function output the following: SIFT: "Tolerated"; PolyPhen-2: "Benign"; Align-GVGD: "Class C0". The leucine amino acid residue is found in multiple mammalian species, which suggests that this missense change does not adversely affect protein function. This variant has not been reported in the literature in individuals affected with ITGB2-related conditions. This variant is not present in population databases (gnomAD no frequency). This sequence change replaces valine, which is neutral and non-polar, with leucine, which is neutral and non-polar, at codon 672 of the ITGB2 protein (p.Val672Leu).

NM_000211.5(ITGB2):c.2014G>T (p.Val672Leu)

Gene: ITGB2 (integrin subunit beta 2; minus strand). Cytogenetic location: 21q22.3.
Variant type: single nucleotide variant.
Coding change: c.2014G>T on transcript NM_000211.5 (MANE Select); coding-DNA position 2014, G replaced by T.
Protein change: p.Val672Leu; replaces valine 672 with leucine.
Molecular consequence: missense variant.
Genome position (GRCh38, 1-based): chr21:44,888,759, C>A on the plus strand (G>T on the coding strand, the complement: ITGB2 is on the minus strand). VCF-style: chr21-44888759-C-A. GRCh37 (hg19) VCF-style: chr21-46308674-C-A.
Other names: c.2014G>T, p.Val672Leu (NM_001127491.3); c.1807G>T, p.Val603Leu (NM_001303238.2); short protein forms V603L, V672L.
Identifiers: ClinVar variation 1972118 (VCV001972118.5), dbSNP rs1329622817, ClinGen allele CA410483451.
Genomic context (GRCh38, chr21:44,888,759, plus strand): 5'-TCTCATCCACATAGATGAGGTAGCGGTCCATCCCGTCCTGCTGCTCCAGCGTGTAGGCCA[C>A]CCAGCAGCCCTCTGAGTCCCTCTCCTTGCAGGTCCTGCCCTTCACGGGGTTGTTCGACAG-3'
Protein context (NP_000202.3, residues 662-682): CKERDSEGCW[Val672Leu]AYTLEQQDGM